The following is an entry in ClinVar:

ClinVar aggregate classification (germline): Uncertain significance (1 of 4 stars; one submission).

Conditions:
CACNA1A-related disorder. Also called: CACNA1A-related condition.

Submission:

PreventionGenetics, part of Exact Sciences
Classification: Uncertain significance for CACNA1A-related condition. Last evaluated: 2022-09-13. Review status: criteria provided, single submitter. Criteria: ACMG Guidelines, 2015. Collection method: clinical testing. Allele origin: germline.
Comment: The CACNA1A c.4340G>C variant is predicted to result in the amino acid substitution p.Trp1447Ser. To our knowledge, this variant has not been reported in the literature or in a large population database, indicating this variant is rare. At this time, the clinical significance of this variant is uncertain due to the absence of conclusive functional and genetic evidence.

NM_001127222.2(CACNA1A):c.4340G>C (p.Trp1447Ser)

Gene: CACNA1A (calcium voltage-gated channel subunit alpha1 A; minus strand). Cytogenetic location: 19p13.13.
Variant type: single nucleotide variant.
Coding change: c.4340G>C on transcript NM_001127222.2 (MANE Select); coding-DNA position 4340, G replaced by C.
Protein change: p.Trp1447Ser; replaces tryptophan 1447 with serine.
Molecular consequence: missense variant.
Genome position (GRCh38, 1-based): chr19:13,259,612, C>G on the plus strand (G>C on the coding strand, the complement: CACNA1A is on the minus strand). VCF-style: chr19-13259612-C-G. GRCh37 (hg19) VCF-style: chr19-13370426-C-G.
Other names: c.4352G>C, p.Trp1451Ser (NM_000068.4, NM_023035.3); c.4343G>C, p.Trp1448Ser (NM_001127221.2, NM_001174080.2); short protein forms W1447S, W1448S, W1451S.
Identifiers: ClinVar variation 2628469 (VCV002628469.1), dbSNP rs2512751468, ClinGen allele CA404339296.